The following is an entry in ClinVar:

NM_001458.5(FLNC):c.1595del (p.Val532fs)

Gene: FLNC (filamin C; plus strand). Cytogenetic location: 7q32.1.
Variant type: Deletion.
Coding change: c.1595del on transcript NM_001458.5 (MANE Select); coding-DNA position 1595, one base deleted (T; older notation c.1595delT).
Protein change: p.Val532fs; shifts the reading frame from valine 532.
Molecular consequence: frameshift variant.
Genome position (GRCh38, 1-based): chr7:128,840,593, T deleted. VCF-style (leftmost placement, unchanged base first): chr7-128840592-GT-G. GRCh37 (hg19) VCF-style: chr7-128480646-GT-G.
Other names: c.1595del, p.Val532fs (NM_001127487.2); short protein forms V532fs.
Identifiers: ClinVar variation 4856817 (VCV004856817.2).

ClinVar aggregate classification (germline): Likely pathogenic (1 of 4 stars; one submission).

Submission:

Dasa
Classification: Likely pathogenic. Last evaluated: 2026-02-26. Review status: criteria provided, single submitter. Criteria: DASA Assertion Criteria. Collection method: clinical testing. Allele origin: germline.
Comment: NM_001458.5(FLNC):c.1595del (p.Val532Glyfs*16) is a frameshift variant in FLNC predicted to alter the reading frame and introduce a premature termination codon and is predicted to result in an absent or altered protein product. Loss of function is an established disease mechanism for FLNC (PMID: 28008423; PMID: 27908349; PMID: 28436997). Also, this variant is rare in population databases. Based on the currently available evidence, this variant is classified as likely pathogenic.

Literature cited by the submitters: PubMed 28008423; PubMed 27908349; PubMed 28436997.